The following is an entry in ClinVar:

NM_003906.5(MCM3AP):c.2465+6T>C

Gene: MCM3AP (minichromosome maintenance complex component 3 associated protein; minus strand). Cytogenetic location: 21q22.3.
Variant type: single nucleotide variant.
Coding change: c.2465+6T>C on transcript NM_003906.5 (MANE Select); 6 bases into the intron after coding-DNA position 2465, T replaced by C.
Molecular consequence: intron variant.
Genome position (GRCh38, 1-based): chr21:46,272,555, A>G on the plus strand (T>C on the coding strand, the complement: MCM3AP is on the minus strand). VCF-style: chr21-46272555-A-G. GRCh37 (hg19) VCF-style: chr21-47692469-A-G.
Identifiers: ClinVar variation 1973157 (VCV001973157.3), dbSNP rs2517406335, ClinGen allele CA2580098949.

ClinVar aggregate classification (germline): Uncertain significance (1 of 4 stars; one submission).

Allele frequency attached by ClinVar (database versions not stated): gnomAD exomes below 0.00001.

Submission:

Labcorp Genetics (formerly Invitae), Labcorp
Classification: Uncertain significance. Last evaluated: 2021-12-17. Review status: criteria provided, single submitter. Criteria: Invitae Variant Classification Sherloc (09022015). Collection method: clinical testing. Allele origin: germline.
Comment: In summary, the available evidence is currently insufficient to determine the role of this variant in disease. Therefore, it has been classified as a Variant of Uncertain Significance. Variants that disrupt the consensus splice site are a relatively common cause of aberrant splicing (PMID: 17576681, 9536098). Algorithms developed to predict the effect of sequence changes on RNA splicing suggest that this variant is not likely to affect RNA splicing. This variant has not been reported in the literature in individuals affected with MCM3AP-related conditions. This variant is not present in population databases (gnomAD no frequency). This sequence change falls in intron 8 of the MCM3AP gene. It does not directly change the encoded amino acid sequence of the MCM3AP protein. It affects a nucleotide within the consensus splice site.

Literature cited by the submitters: PubMed 17576681; PubMed 9536098.